The following is an entry in ClinVar:

ClinVar aggregate classification (germline): Uncertain significance (1 of 4 stars; one submission).

gnomAD v4.1: 1 of 1,613,984 alleles (0.000062%); highest among the groups gnomAD compares: Middle Eastern, 0.016%; no homozygotes.

Submission:

Labcorp Genetics (formerly Invitae), Labcorp
Classification: Uncertain significance. Last evaluated: 2024-02-24. Review status: criteria provided, single submitter. Criteria: Invitae Variant Classification Sherloc (09022015). Collection method: clinical testing. Allele origin: germline.
Comment: This sequence change replaces phenylalanine, which is neutral and non-polar, with leucine, which is neutral and non-polar, at codon 1205 of the FREM1 protein (p.Phe1205Leu). This variant is not present in population databases (gnomAD no frequency). This variant has not been reported in the literature in individuals affected with FREM1-related conditions. ClinVar contains an entry for this variant (Variation ID: 1966192). Algorithms developed to predict the effect of missense changes on protein structure and function output the following: SIFT: "Not Available"; PolyPhen-2: "Benign"; Align-GVGD: "Not Available". The leucine amino acid residue is found in multiple mammalian species, which suggests that this missense change does not adversely affect protein function. In summary, the available evidence is currently insufficient to determine the role of this variant in disease. Therefore, it has been classified as a Variant of Uncertain Significance.

NM_001379081.2(FREM1):c.3615C>G (p.Phe1205Leu)

Gene: FREM1 (FRAS1 related extracellular matrix 1; minus strand). Cytogenetic location: 9p22.3.
Variant type: single nucleotide variant.
Coding change: c.3615C>G on transcript NM_001379081.2 (MANE Select); coding-DNA position 3615, C replaced by G.
Protein change: p.Phe1205Leu; replaces phenylalanine 1205 with leucine.
Molecular consequence: missense variant. On other transcripts: non-coding transcript variant (2).
Genome position (GRCh38, 1-based): chr9:14,801,731, G>C on the plus strand (C>G on the coding strand, the complement: FREM1 is on the minus strand). VCF-style: chr9-14801731-G-C. GRCh37 (hg19) VCF-style: chr9-14801729-G-C.
Other names: c.3615C>G, p.Phe1205Leu (NM_144966.7); short protein forms F1205L.
Identifiers: ClinVar variation 1966192 (VCV001966192.5), dbSNP rs1308119069, ClinGen allele CA372967699.